The following is an entry in ClinVar:

ClinVar aggregate classification (germline): Likely benign. Review status: criteria provided, multiple submitters, no conflicts (2 of 4 stars). 3 submissions from 3 submitters: Likely benign (3). Last evaluated 2026-09-01.

Conditions:
Mitochondrial trifunctional protein deficiency. Identifiers: Orphanet 746, MedGen C1969443, MONDO:0012172.

Allele frequency attached by ClinVar (database versions not stated): gnomAD 0.00003 and 0.00004; ExAC 0.00004; gnomAD exomes 0.00004 and 0.00006; TOPMed 0.00008.
gnomAD v4.1: 69 of 1,566,738 alleles (0.0044%); highest among the groups gnomAD compares: Admixed American, 0.023%; no homozygotes.

Submissions (3):

CeGaT Center for Human Genetics Tuebingen
Classification: Likely benign. Last evaluated: 2026-09-01. Review status: criteria provided, single submitter. Criteria: CeGaT Center For Human Genetics Tuebingen Variant Classification Criteria Version 2. Collection method: clinical testing. Allele origin: germline. Affected: yes. Observed: 1 variant allele.
Comment: HADHB: BP4, BP7

Labcorp Genetics (formerly Invitae), Labcorp
Classification: Likely benign for Mitochondrial trifunctional protein deficiency. Last evaluated: 2026-01-24. Review status: criteria provided, single submitter. Criteria: Invitae Variant Classification Sherloc (09022015). Collection method: clinical testing. Allele origin: germline.

Blueprint Genetics
Classification: Likely benign. Last evaluated: 2024-10-18. Review status: criteria provided, single submitter. Criteria: ACMG Guidelines, 2015. Collection method: clinical testing. Allele origin: germline.

NM_000183.3(HADHB):c.426C>T (p.Asn142=)

Gene: HADHB (hydroxyacyl-CoA dehydrogenase trifunctional multienzyme complex subunit beta; plus strand). Cytogenetic location: 2p23.3.
Variant type: single nucleotide variant.
Coding change: c.426C>T on transcript NM_000183.3 (MANE Select); coding-DNA position 426, C replaced by T.
Protein change: p.Asn142=; no amino-acid change (asparagine 142 retained).
Molecular consequence: synonymous variant.
Genome position (GRCh38, 1-based): chr2:26,277,144, C>T. VCF-style: chr2-26277144-C-T. GRCh37 (hg19) VCF-style: chr2-26500012-C-T.
Other names: c.381C>T, p.Asn127= (NM_001281512.2); c.360C>T, p.Asn120= (NM_001281513.2).
Identifiers: ClinVar variation 750382 (VCV000750382.9), dbSNP rs777313153, ClinGen allele CA1560217.